The following is an entry in ClinVar:

ClinVar aggregate classification (germline): Uncertain significance (1 of 4 stars; one submission).

Conditions:
Inborn genetic diseases. Identifiers: MedGen C0950123, MeSH D030342.

Submission:

Ambry Genetics
Classification: Uncertain significance for Inborn genetic diseases. Last evaluated: 2024-12-08. Review status: criteria provided, single submitter. Criteria: Ambry Variant Classification Scheme 2023. Collection method: clinical testing. Allele origin: germline.
Comment: The p.A785V variant (also known as c.2354C>T), located in coding exon 26 of the FANCA gene, results from a C to T substitution at nucleotide position 2354. The alanine at codon 785 is replaced by valine, an amino acid with similar properties. This amino acid position is conserved. In addition, the in silico prediction for this alteration is inconclusive. Based on the available evidence, the clinical significance of this variant remains unclear.

NM_000135.4(FANCA):c.2354C>T (p.Ala785Val)

Gene: FANCA (FA complementation group A; minus strand). Cytogenetic location: 16q24.3.
Variant type: single nucleotide variant.
Coding change: c.2354C>T on transcript NM_000135.4 (MANE Select); coding-DNA position 2354, C replaced by T.
Protein change: p.Ala785Val; replaces alanine 785 with valine.
Molecular consequence: missense variant.
Genome position (GRCh38, 1-based): chr16:89,769,987, G>A on the plus strand (C>T on the coding strand, the complement: FANCA is on the minus strand). VCF-style: chr16-89769987-G-A. GRCh37 (hg19) VCF-style: chr16-89836395-G-A.
Other names: c.2354C>T, p.Ala785Val (NM_001286167.3); short protein forms A785V.
Identifiers: ClinVar variation 3512728 (VCV003512728.1).